The following is an entry in ClinVar:

ClinVar aggregate classification (germline): Conflicting classifications of pathogenicity. Review status: criteria provided, conflicting classifications (1 of 4 stars). 4 submissions from 4 submitters: Uncertain significance (3); Likely benign (1). Last evaluated 2025-07-07.

Conditions:
Hereditary nonpolyposis colorectal neoplasms. Identifiers: MedGen C0009405, MeSH D003123.
Hereditary cancer-predisposing syndrome. Also called: Neoplastic Syndromes, Hereditary; Tumor predisposition; Hereditary Cancer Syndrome; Hereditary neoplastic syndrome. Identifiers: Orphanet 140162, MedGen C0027672, MeSH D009386, MONDO:0015356.
Mismatch repair cancer syndrome 3. Identifiers: MedGen C5436807, MONDO:0030841, OMIM 619097.
Endometrial carcinoma. Also called: Endometrial carcinoma, somatic. Identifiers: MedGen C0476089, MONDO:0002447, OMIM 608089, HP:0012114.
Lynch syndrome 5 (LYNCH5). Also called: Colorectal cancer, hereditary nonpolyposis, type 5; Hereditary non-polyposis colorectal cancer, type 5. Identifiers: Orphanet 144, MedGen C1833477, MONDO:0013710, OMIM 614350. Disease mechanism: loss of function.

Submissions (4):

Color Diagnostics, LLC DBA Color Health
Classification: Uncertain significance for Hereditary cancer-predisposing syndrome. Last evaluated: 2025-07-07. Review status: criteria provided, single submitter. Criteria: ACMG Guidelines, 2015. Collection method: clinical testing. Allele origin: germline.
Comment: This missense variant replaces isoleucine with threonine at codon 622 of the MSH6 protein. Computational prediction suggests that this variant may not impact protein structure and function. To our knowledge, functional studies have not been reported for this variant. This variant has not been reported in individuals affected with MSH6-related disorders in the literature. This variant has not been identified in the general population by the Genome Aggregation Database (gnomAD). The available evidence is insufficient to determine the role of this variant in disease conclusively. Therefore, this variant is classified as a Variant of Uncertain Significance.

Ambry Genetics
Classification: Likely benign for Hereditary cancer-predisposing syndrome. Last evaluated: 2025-01-14. Review status: criteria provided, single submitter. Criteria: Ambry Variant Classification Scheme 2023. Collection method: clinical testing. Allele origin: germline.

Department of Pathology and Laboratory Medicine, Sinai Health System
Classification: Uncertain significance for Endometrial carcinoma; Lynch syndrome 5; Mismatch repair cancer syndrome 3. Last evaluated: 2024-11-28. Review status: criteria provided, single submitter. Criteria: ACMG Guidelines, 2015. Collection method: clinical testing. Allele origin: germline.

Labcorp Genetics (formerly Invitae), Labcorp
Classification: Uncertain significance for Hereditary nonpolyposis colorectal neoplasms. Last evaluated: 2023-02-25. Review status: criteria provided, single submitter. Criteria: Invitae Variant Classification Sherloc (09022015). Collection method: clinical testing. Allele origin: germline.
Comment: In summary, the available evidence is currently insufficient to determine the role of this variant in disease. Therefore, it has been classified as a Variant of Uncertain Significance. Advanced modeling of protein sequence and biophysical properties (such as structural, functional, and spatial information, amino acid conservation, physicochemical variation, residue mobility, and thermodynamic stability) performed at Invitae indicates that this missense variant is not expected to disrupt MSH6 protein function. ClinVar contains an entry for this variant (Variation ID: 1781577). This variant has not been reported in the literature in individuals affected with MSH6-related conditions. This variant is not present in population databases (gnomAD no frequency). This sequence change replaces isoleucine, which is neutral and non-polar, with threonine, which is neutral and polar, at codon 622 of the MSH6 protein (p.Ile622Thr).

NM_000179.3(MSH6):c.1865T>C (p.Ile622Thr)

Gene: MSH6 (mutS homolog 6; plus strand). Cytogenetic location: 2p16.3.
Variant type: single nucleotide variant.
Coding change: c.1865T>C on transcript NM_000179.3 (MANE Select); coding-DNA position 1865, T replaced by C.
Protein change: p.Ile622Thr; replaces isoleucine 622 with threonine.
Molecular consequence: missense variant.
Genome position (GRCh38, 1-based): chr2:47,799,848, T>C. VCF-style: chr2-47799848-T-C. GRCh37 (hg19) VCF-style: chr2-48026987-T-C.
Other names: c.1475T>C, p.Ile492Thr (NM_001281492.2); c.959T>C, p.Ile320Thr (NM_001281493.2, NM_001281494.2, NM_001406811.1 and 6 more transcripts); c.1961T>C, p.Ile654Thr (NM_001406795.1, NM_001406802.1); c.1865T>C, p.Ile622Thr (NM_001406796.1, NM_001406798.1, NM_001406800.1 and 3 more transcripts); c.1568T>C, p.Ile523Thr (NM_001406797.1, NM_001406801.1, NM_001406805.1 and 10 more transcripts); c.1340T>C, p.Ile447Thr (NM_001406799.1, NM_001406806.1, NM_001406807.1); c.1787T>C, p.Ile596Thr (NM_001406804.1); c.1871T>C, p.Ile624Thr (NM_001406813.1); and 1 more; short protein forms I523T, I596T, I624T, I654T, I320T, I447T, I492T, I566T.
Identifiers: ClinVar variation 1781577 (VCV001781577.6), dbSNP rs2104372440, ClinGen allele CA346749851.